The following is an entry in ClinVar:

NM_001042724.2(NECTIN2):c.912G>A (p.Pro304=)

Gene: NECTIN2 (nectin cell adhesion molecule 2; plus strand). Cytogenetic location: 19q13.32.
Variant type: single nucleotide variant.
Coding change: c.912G>A on transcript NM_001042724.2 (MANE Select); coding-DNA position 912, G replaced by A.
Protein change: p.Pro304=; no amino-acid change (proline 304 retained).
Molecular consequence: synonymous variant.
Genome position (GRCh38, 1-based): chr19:44,874,348, G>A. VCF-style: chr19-44874348-G-A. GRCh37 (hg19) VCF-style: chr19-45377605-G-A.
Other names: c.912G>A, p.Pro304= (NM_002856.3).
Identifiers: ClinVar variation 3045373 (VCV003045373.2), dbSNP rs74533957, ClinGen allele CA9505239.

ClinVar aggregate classification (germline): Likely benign (0 of 4 stars; one submission).

Conditions:
NECTIN2-related disorder. Also called: NECTIN2-related condition.

Allele frequency attached by ClinVar (database versions not stated): 1000 Genomes Project 0.00040; 1000 Genomes Project 30x 0.00047.
gnomAD v4.1: 44 of 1,614,078 alleles (0.0027%); highest among the groups gnomAD compares: East Asian, 0.071%; no homozygotes.

Submission:

PreventionGenetics, part of Exact Sciences
Classification: Likely benign for NECTIN2-related condition. Last evaluated: 2024-05-16. Review status: no assertion criteria provided. Collection method: clinical testing. Allele origin: germline.
Comment: This variant is classified as likely benign based on ACMG/AMP sequence variant interpretation guidelines (Richards et al. 2015 PMID: 25741868, with internal and published modifications).